The following is an entry in ClinVar:

NM_003190.5(TAPBP):c.389G>T (p.Ser130Ile)

Gene: TAPBP (TAP binding protein; minus strand). Cytogenetic location: 6p21.32.
Variant type: single nucleotide variant.
Coding change: c.389G>T on transcript NM_003190.5 (MANE Select); coding-DNA position 389, G replaced by T.
Protein change: p.Ser130Ile; replaces serine 130 with isoleucine.
Molecular consequence: missense variant. On other transcripts: intron variant (1).
Genome position (GRCh38, 1-based): chr6:33,313,297, C>A on the plus strand (G>T on the coding strand, the complement: TAPBP is on the minus strand). VCF-style: chr6-33313297-C-A. GRCh37 (hg19) VCF-style: chr6-33281074-C-A.
Other names: c.208+397G>T (NM_172209.3); c.389G>T, p.Ser130Ile (NM_001410875.1, NM_172208.3); short protein forms S130I.
Identifiers: ClinVar variation 2975137 (VCV002975137.3), dbSNP rs764549710, ClinGen allele CA3755900.
Genomic context (GRCh38, chr6:33,313,297, plus strand): 5'-ACAGGCTCCTGCTGAGGCTCTGGCTGTGGTCGCAAGAGGCTGGAGAGGCTGAGGACTGGG[C>A]TGGATATGCTGACCATCAGCCAAGCCCCATCCAGGGCCCGCGGGCAGTTCTGCGCGGGGG-3'
Protein context (NP_003181.3, residues 120-140): DGAWLMVSIS[Ser130Ile]PVLSLSSLLR

ClinVar aggregate classification (germline): Uncertain significance (1 of 4 stars; one submission).

Conditions:
MHC class I deficiency. Identifiers: Orphanet 34592, MedGen C6024714, MONDO:0011476.

Allele frequency attached by ClinVar (database versions not stated): ExAC 0.00001.

Submission:

Labcorp Genetics (formerly Invitae), Labcorp
Classification: Uncertain significance for MHC class I deficiency 1. Last evaluated: 2025-01-16. Review status: criteria provided, single submitter. Criteria: Invitae Variant Classification Sherloc (09022015). Collection method: clinical testing. Allele origin: germline.
Comment: This sequence change replaces serine, which is neutral and polar, with isoleucine, which is neutral and non-polar, at codon 130 of the TAPBP protein (p.Ser130Ile). This variant is present in population databases (rs764549710, gnomAD 0.002%). This variant has not been reported in the literature in individuals affected with TAPBP-related conditions. ClinVar contains an entry for this variant (Variation ID: 2975137). An algorithm developed to predict the effect of missense changes on protein structure and function (PolyPhen-2) suggests that this variant is likely to be disruptive. In summary, the available evidence is currently insufficient to determine the role of this variant in disease. Therefore, it has been classified as a Variant of Uncertain Significance.